The following is an entry in ClinVar:

NM_015512.5(DNAH1):c.6297C>G (p.Ile2099Met)

Gene: DNAH1 (dynein axonemal heavy chain 1; plus strand). Cytogenetic location: 3p21.1.
Variant type: single nucleotide variant.
Coding change: c.6297C>G on transcript NM_015512.5 (MANE Select); coding-DNA position 6297, C replaced by G.
Protein change: p.Ile2099Met; replaces isoleucine 2099 with methionine.
Molecular consequence: missense variant.
Genome position (GRCh38, 1-based): chr3:52,370,515, C>G. VCF-style: chr3-52370515-C-G. GRCh37 (hg19) VCF-style: chr3-52404531-C-G.
Other names: short protein forms I2099M.
Identifiers: ClinVar variation 663347 (VCV000663347.6), dbSNP rs377060183, ClinGen allele CA353159072.
Genomic context (GRCh38, chr3:52,370,515, plus strand): 5'-ATACTGTTCCCTTCATCCCCAGGGCCTCAAGAAAATACCCTCTGAAAAGCTGAGTCGCAT[C>G]GTAGAGTTGATCGAGCCCTGGTTCATCTTCTCCCTGATCTGGAGCGTGGGTGCCACTGGG-3'
Protein context (NP_056327.4, residues 2089-2109): KKIPSEKLSR[Ile2099Met]VELIEPWFIF

ClinVar aggregate classification (germline): Uncertain significance (1 of 4 stars; one submission).

Conditions:
Spermatogenic failure 18. Identifiers: MedGen C4539783, MONDO:0054615, OMIM 617576.
Ciliary dyskinesia, primary, 37 (CILD37). Also called: CILIARY DYSKINESIA, PRIMARY, 37, WITH OR WITHOUT SITUS INVERSUS. Identifiers: MedGen C4539798, MONDO:0033204, OMIM 617577.

gnomAD v4.1: 1 of 1,613,882 alleles (0.000062%); highest among the groups gnomAD compares: African/African-American, 0.0013%; no homozygotes.

Submission:

Labcorp Genetics (formerly Invitae), Labcorp
Classification: Uncertain significance for Ciliary dyskinesia, primary, 37; Spermatogenic failure 18. Last evaluated: 2018-11-01. Review status: criteria provided, single submitter. Criteria: Invitae Variant Classification Sherloc (09022015). Collection method: clinical testing. Allele origin: germline.
Comment: In summary, the available evidence is currently insufficient to determine the role of this variant in disease. Therefore, it has been classified as a Variant of Uncertain Significance. Algorithms developed to predict the effect of missense changes on protein structure and function are either unavailable or do not agree on the potential impact of this missense change (SIFT: "Deleterious"; PolyPhen-2: "Benign"; Align-GVGD: "Class C0"). This variant has not been reported in the literature in individuals with DNAH1-related disease. This variant is not present in population databases (ExAC no frequency). This sequence change replaces isoleucine with methionine at codon 2099 of the DNAH1 protein (p.Ile2099Met). The isoleucine residue is moderately conserved and there is a small physicochemical difference between isoleucine and methionine.